The following is an entry in ClinVar:

ClinVar aggregate classification (germline): Uncertain significance (1 of 4 stars; one submission).

Conditions:
Cardiovascular phenotype. Identifiers: MedGen CN230736.
Hereditary cancer-predisposing syndrome. Also called: Tumor predisposition; Hereditary neoplastic syndrome; Neoplastic Syndromes, Hereditary; Hereditary Cancer Syndrome. Identifiers: Orphanet 140162, MedGen C0027672, MeSH D009386, MONDO:0015356.

Submission:

Ambry Genetics
Classification: Uncertain significance for Cardiovascular phenotype; Hereditary cancer-predisposing syndrome. Last evaluated: 2025-03-21. Review status: criteria provided, single submitter. Criteria: Ambry Variant Classification Scheme 2023. Collection method: clinical testing. Allele origin: germline.
Comment: The p.P1617S variant (also known as c.4849C>T), located in coding exon 36 of the NF1 gene, results from a C to T substitution at nucleotide position 4849. The proline at codon 1617 is replaced by serine, an amino acid with similar properties. This amino acid position is highly conserved in available vertebrate species. In addition, the in silico prediction for this alteration is inconclusive. Based on the available evidence, the clinical significance of this variant remains unclear.

NM_001042492.3(NF1):c.4912C>T (p.Pro1638Ser)

Gene: NF1 (neurofibromin 1; plus strand). Cytogenetic location: 17q11.2.
Variant type: single nucleotide variant.
Coding change: c.4912C>T on transcript NM_001042492.3 (MANE Select); coding-DNA position 4912, C replaced by T.
Protein change: p.Pro1638Ser; replaces proline 1638 with serine.
Molecular consequence: missense variant.
Genome position (GRCh38, 1-based): chr17:31,325,896, C>T. VCF-style: chr17-31325896-C-T. GRCh37 (hg19) VCF-style: chr17-29652914-C-T.
Other names: c.4849C>T, p.Pro1617Ser (NM_000267.4); short protein forms P1617S, P1638S.
Identifiers: ClinVar variation 4013455 (VCV004013455.1).